The following is an entry in ClinVar:

ClinVar aggregate classification (germline): Uncertain significance (1 of 4 stars; one submission).

Conditions:
Autosomal recessive limb-girdle muscular dystrophy type R18 (LGMDR18). Also called: Limb-girdle muscular dystrophy, type 2S; Autosomal recessive limb-girdle muscular dystrophy type 2S; MUSCULAR DYSTROPHY, LIMB-GIRDLE, AUTOSOMAL RECESSIVE 18. Identifiers: Orphanet 369840, MedGen C4517996, MONDO:0014144, OMIM 615356.

Allele frequency attached by ClinVar (database versions not stated): gnomAD exomes below 0.00001; ExAC 0.00001.
gnomAD v4.1: 3 of 1,612,422 alleles (0.00019%); highest among the groups gnomAD compares: Middle Eastern, 0.017%; no homozygotes.

Submission:

Labcorp Genetics (formerly Invitae), Labcorp
Classification: Uncertain significance for Autosomal recessive limb-girdle muscular dystrophy type R18. Last evaluated: 2022-11-02. Review status: criteria provided, single submitter. Criteria: Invitae Variant Classification Sherloc (09022015). Collection method: clinical testing. Allele origin: germline.
Comment: In summary, the available evidence is currently insufficient to determine the role of this variant in disease. Therefore, it has been classified as a Variant of Uncertain Significance. Advanced modeling of protein sequence and biophysical properties (such as structural, functional, and spatial information, amino acid conservation, physicochemical variation, residue mobility, and thermodynamic stability) performed at Invitae indicates that this missense variant is expected to disrupt TRAPPC11 protein function. This variant has not been reported in the literature in individuals affected with TRAPPC11-related conditions. This variant is present in population databases (rs763254397, gnomAD 0.003%). This sequence change replaces proline, which is neutral and non-polar, with leucine, which is neutral and non-polar, at codon 176 of the TRAPPC11 protein (p.Pro176Leu).

NM_021942.6(TRAPPC11):c.527C>T (p.Pro176Leu)

Gene: TRAPPC11 (trafficking protein particle complex subunit 11; plus strand). Cytogenetic location: 4q35.1.
Variant type: single nucleotide variant.
Coding change: c.527C>T on transcript NM_021942.6 (MANE Select); coding-DNA position 527, C replaced by T.
Protein change: p.Pro176Leu; replaces proline 176 with leucine.
Molecular consequence: missense variant.
Genome position (GRCh38, 1-based): chr4:183,668,084, C>T. VCF-style: chr4-183668084-C-T. GRCh37 (hg19) VCF-style: chr4-184589237-C-T.
Other names: c.527C>T, p.Pro176Leu (NM_199053.3); short protein forms P176L.
Identifiers: ClinVar variation 2993720 (VCV002993720.3), dbSNP rs763254397, ClinGen allele CA3151606.